The following is an entry in ClinVar:

ClinVar aggregate classification (germline): Uncertain significance (1 of 4 stars; one submission).

Allele frequency attached by ClinVar (database versions not stated): gnomAD exomes below 0.00001.
gnomAD v4.1: 1 of 1,614,172 alleles (0.000062%); highest among the groups gnomAD compares: Non-Finnish European, 0.000085%; no homozygotes.

Submission:

Athena Diagnostics
Classification: Uncertain significance. Last evaluated: 2020-06-10. Review status: criteria provided, single submitter. Criteria: Athena Diagnostics Criteria. Collection method: clinical testing. Allele origin: unknown.
Comment: This observation is not an independent occurrence and has been identified in the same individual by RCIGM, the other laboratory participating in the GEMINI study.

NM_000079.4(CHRNA1):c.1312T>C (p.Cys438Arg)

Gene: CHRNA1 (cholinergic receptor nicotinic alpha 1 subunit; minus strand). Cytogenetic location: 2q31.1.
Variant type: single nucleotide variant.
Coding change: c.1312T>C on transcript NM_000079.4 (MANE Select); coding-DNA position 1312, T replaced by C.
Protein change: p.Cys438Arg; replaces cysteine 438 with arginine.
Molecular consequence: missense variant.
Genome position (GRCh38, 1-based): chr2:174,748,186, A>G on the plus strand (T>C on the coding strand, the complement: CHRNA1 is on the minus strand). VCF-style: chr2-174748186-A-G. GRCh37 (hg19) VCF-style: chr2-175612914-A-G.
Other names: c.1387T>C, p.Cys463Arg (NM_001039523.3); short protein forms C438R, C463R.
Identifiers: ClinVar variation 1809742 (VCV001809742.1), dbSNP rs2468885819, ClinGen allele CA349333381.